The following is an entry in ClinVar:

NM_004958.4(MTOR):c.5142C>G (p.Phe1714Leu)

Gene: MTOR (mechanistic target of rapamycin kinase; minus strand). Cytogenetic location: 1p36.22.
Variant type: single nucleotide variant.
Coding change: c.5142C>G on transcript NM_004958.4 (MANE Select); coding-DNA position 5142, C replaced by G.
Protein change: p.Phe1714Leu; replaces phenylalanine 1714 with leucine.
Molecular consequence: missense variant.
Genome position (GRCh38, 1-based): chr1:11,134,455, G>C on the plus strand (C>G on the coding strand, the complement: MTOR is on the minus strand). VCF-style: chr1-11134455-G-C. GRCh37 (hg19) VCF-style: chr1-11194512-G-C.
Other names: c.5142C>G (LRG_734t1); short protein forms F1714L.
Identifiers: ClinVar variation 640525 (VCV000640525.8), dbSNP rs1330591886, ClinGen allele CA338401105.

ClinVar aggregate classification (germline): Uncertain significance (1 of 4 stars; one submission).

Allele frequency attached by ClinVar (database versions not stated): gnomAD exomes below 0.00001.
gnomAD v4.1: 4 of 1,614,186 alleles (0.00025%); highest among the groups gnomAD compares: Non-Finnish European, 0.00034%; no homozygotes.

Submission:

Labcorp Genetics (formerly Invitae), Labcorp
Classification: Uncertain significance. Last evaluated: 2018-09-20. Review status: criteria provided, single submitter. Criteria: Invitae Variant Classification Sherloc (09022015). Collection method: clinical testing. Allele origin: germline.
Comment: This sequence change replaces phenylalanine with leucine at codon 1714 of the MTOR protein (p.Phe1714Leu). The phenylalanine residue is moderately conserved and there is a small physicochemical difference between phenylalanine and leucine. This variant is not present in population databases (ExAC no frequency). This variant has not been reported in the literature in individuals with MTOR-related disease. Algorithms developed to predict the effect of missense changes on protein structure and function (SIFT, PolyPhen-2, Align-GVGD) all suggest that this variant is likely to be tolerated, but these predictions have not been confirmed by published functional studies and their clinical significance is uncertain. In summary, the available evidence is currently insufficient to determine the role of this variant in disease. Therefore, it has been classified as a Variant of Uncertain Significance.